The following is an entry in ClinVar:

NM_000718.4(CACNA1B):c.5065G>A (p.Val1689Ile)

Gene: CACNA1B (calcium voltage-gated channel subunit alpha1 B; plus strand). Cytogenetic location: 9q34.3.
Variant type: single nucleotide variant.
Coding change: c.5065G>A on transcript NM_000718.4 (MANE Select); coding-DNA position 5065, G replaced by A.
Protein change: p.Val1689Ile; replaces valine 1689 with isoleucine.
Molecular consequence: missense variant.
Genome position (GRCh38, 1-based): chr9:138,078,229, G>A. VCF-style: chr9-138078229-G-A. GRCh37 (hg19) VCF-style: chr9-140972681-G-A.
Other names: c.5065G>A, p.Val1689Ile (NM_001243812.2); c.5065G>A (NM_000718.3); short protein forms V1689I.
Identifiers: ClinVar variation 1049814 (VCV001049814.6), dbSNP rs200485916, ClinGen allele CA5377245.

ClinVar aggregate classification (germline): Uncertain significance. Review status: criteria provided, multiple submitters, no conflicts (2 of 4 stars). 5 submissions from 5 submitters: Uncertain significance (4). 1 of the submissions does not count toward it. Last evaluated 2025-10-22.

Allele frequency attached by ClinVar (database versions not stated): gnomAD exomes 0.00007 and 0.00006; ExAC 0.00007; TOPMed 0.00012; gnomAD 0.00015; ESP Exome Variant Server 0.00016.
gnomAD v4.1: 134 of 1,613,782 alleles (0.0083%); highest among the groups gnomAD compares: African/African-American, 0.024%; no homozygotes.

Submissions (5):

Ambry Genetics
Classification: Uncertain significance. Last evaluated: 2025-10-22. Review status: criteria provided, single submitter. Criteria: Ambry Variant Classification Scheme 2023. Collection method: clinical testing. Allele origin: germline.

GeneDx
Classification: Uncertain significance. Last evaluated: 2024-08-15. Review status: criteria provided, single submitter. Criteria: GeneDx Variant Classification Process June 2021. Collection method: clinical testing. Allele origin: germline. Affected: yes.
Comment: In silico analysis indicates that this missense variant does not alter protein structure/function; Has not been previously published as pathogenic or benign to our knowledge

Labcorp Genetics (formerly Invitae), Labcorp
Classification: Uncertain significance. Last evaluated: 2022-08-18. Review status: criteria provided, single submitter. Criteria: Invitae Variant Classification Sherloc (09022015). Collection method: clinical testing. Allele origin: germline.
Comment: This sequence change replaces valine, which is neutral and non-polar, with isoleucine, which is neutral and non-polar, at codon 1689 of the CACNA1B protein (p.Val1689Ile). This variant is present in population databases (rs200485916, gnomAD 0.03%). This variant has not been reported in the literature in individuals affected with CACNA1B-related conditions. ClinVar contains an entry for this variant (Variation ID: 1049814). Advanced modeling of protein sequence and biophysical properties (such as structural, functional, and spatial information, amino acid conservation, physicochemical variation, residue mobility, and thermodynamic stability) performed at Invitae indicates that this missense variant is expected to disrupt CACNA1B protein function. In summary, the available evidence is currently insufficient to determine the role of this variant in disease. Therefore, it has been classified as a Variant of Uncertain Significance.

Blueprint Genetics
Classification: Uncertain significance. Last evaluated: 2022-05-06. Review status: criteria provided, single submitter. Criteria: ACMG Guidelines, 2015. Collection method: clinical testing. Allele origin: germline.

Department of Pathology and Laboratory Medicine, Sinai Health System
Classification: Uncertain significance. Review status: no assertion criteria provided. Collection method: clinical testing. Allele origin: unknown. Affected: yes. Study: The Canadian Open Genetics Repository (COGR). Not counted in ClinVar's aggregate classification.
Comment: The CACNA1B p.V1689I variant was not identified in the literature nor was it identified in Clinvar. The variant was identified in dbSNP (ID: rs200485916) and in control databases in 25 of 280692 chromosomes at a frequency of 0.00008907 (Genome Aggregation Database March 6, 2019, v2.1.1). The p.V1689 residue is conserved in mammals and computational analyses (MUT Assesor, PolyPhen-2, SIFT, MutationTaster, Revel, FATHMM, MetaLR, DANN) suggest that the variant may impact the protein; however this information is not predictive enough to assume pathogenicity. The variant occurs outside of the splicing consensus sequence and in silico or computational prediction software programs (Splice AI exome) do not predict a deleterious effect on splicing. In summary, based on the above information the clinical significance of this variant cannot be determined with certainty at this time. This variant is classified as a variant of uncertain significance.